The following is an entry in ClinVar:

ClinVar aggregate classification (germline): Benign. Review status: criteria provided, multiple submitters, no conflicts (2 of 4 stars). 4 submissions from 3 submitters: Benign (4). Last evaluated 2018-06-24.

Conditions:
Familial spontaneous pneumothorax (PSP). Identifiers: Orphanet 2903, MedGen C1868193, MONDO:0008259, OMIM 173600.
Birt-Hogg-Dube syndrome. Also called: Birt Hogg Dubé syndrome. Identifiers: Orphanet 122, MedGen C0346010, MONDO:0800444.

Allele frequency attached by ClinVar (database versions not stated): 1000 Genomes Project 30x 0.03654; 1000 Genomes Project 0.03934; TOPMed 0.04982; gnomAD 0.05841 and 0.05963; gnomAD exomes 0.20000.
gnomAD v4.1: 8,976 of 152,202 alleles (5.9%); highest among the groups gnomAD compares: Non-Finnish European, 7.9%; 382 homozygotes.

Submissions (4):

GeneDx
Classification: Benign. Last evaluated: 2018-06-24. Review status: criteria provided, single submitter. Criteria: GeneDx Variant Classification Process June 2021. Collection method: clinical testing. Allele origin: germline. Affected: yes.

Illumina Laboratory Services, Illumina
Classification: Benign for Familial spontaneous pneumothorax. Last evaluated: 2018-01-13. Review status: criteria provided, single submitter. Criteria: ICSL Variant Classification Criteria 13 December 2019. Collection method: clinical testing. Allele origin: germline.
Comment: This variant was observed in the ICSL laboratory as part of a predisposition screen in an ostensibly healthy population. It had not been previously curated by ICSL or reported in the Human Gene Mutation Database (HGMD: prior to June 1st, 2018), and was therefore a candidate for classification through an automated scoring system. Utilizing variant allele frequency, disease prevalence and penetrance estimates, and inheritance mode, an automated score was calculated to assess if this variant is too frequent to cause the disease. Based on the score and internal cut-off values, a variant classified as benign is not then subjected to further curation. The score for this variant resulted in a classification of benign for this disease.

Illumina Laboratory Services, Illumina
Classification: Benign for Birt-Hogg-Dube syndrome 1. Last evaluated: 2018-01-13. Review status: criteria provided, single submitter. Criteria: ICSL Variant Classification Criteria 13 December 2019. Collection method: clinical testing. Allele origin: germline.
Comment: the same text as in the submission from Illumina Laboratory Services, Illumina above.

Breakthrough Genomics
Classification: Benign. Review status: criteria provided, single submitter. Criteria: ACMG Guidelines, 2015. Collection method: not provided. Allele origin: germline. Inheritance: Autosomal dominant inheritance. Affected: yes.

NM_144997.7(FLCN):c.-302G>A

Gene: FLCN (folliculin; minus strand). Cytogenetic location: 17p11.2.
Variant type: single nucleotide variant.
Coding change: c.-302G>A on transcript NM_144997.7 (MANE Select); 302 bases upstream of the start codon, G replaced by A.
Molecular consequence: 5 prime UTR variant.
Genome position (GRCh38, 1-based): chr17:17,236,986, C>T on the plus strand (G>A on the coding strand, the complement: FLCN is on the minus strand). VCF-style: chr17-17236986-C-T. GRCh37 (hg19) VCF-style: chr17-17140300-C-T.
Other names: c.-302G>A (LRG_325t1, NM_144606.7); c.-510G>A (NM_001353229.2); c.-585G>A (NM_001353230.2); c.-501G>A (NM_001353231.2).
Identifiers: ClinVar variation 322083 (VCV000322083.8), dbSNP rs41345949, ClinGen allele CA10649615.